The following is an entry in ClinVar:

ClinVar aggregate classification (germline): Uncertain significance (1 of 4 stars; one submission).

gnomAD v4.1: 1 of 1,614,174 alleles (0.000062%); highest among the groups gnomAD compares: Non-Finnish European, 0.000085%; no homozygotes.

Submission:

Labcorp Genetics (formerly Invitae), Labcorp
Classification: Uncertain significance. Last evaluated: 2025-04-30. Review status: criteria provided, single submitter. Criteria: Invitae Variant Classification Sherloc (09022015). Collection method: clinical testing. Allele origin: germline.
Comment: This sequence change replaces proline, which is neutral and non-polar, with leucine, which is neutral and non-polar, at codon 68 of the RFWD3 protein (p.Pro68Leu). This variant is present in population databases (rs774944352, gnomAD 0.0009%). This variant has not been reported in the literature in individuals affected with RFWD3-related conditions. An algorithm developed to predict the effect of missense changes on protein structure and function outputs the following: PolyPhen-2: "Benign". The leucine amino acid residue is found in multiple mammalian species, which suggests that this missense change does not adversely affect protein function. In summary, the available evidence is currently insufficient to determine the role of this variant in disease. Therefore, it has been classified as a Variant of Uncertain Significance.

NM_018124.4(RFWD3):c.203C>T (p.Pro68Leu)

Gene: RFWD3 (ring finger and WD repeat domain 3; minus strand). Cytogenetic location: 16q23.1.
Variant type: single nucleotide variant.
Coding change: c.203C>T on transcript NM_018124.4 (MANE Select); coding-DNA position 203, C replaced by T.
Protein change: p.Pro68Leu; replaces proline 68 with leucine.
Molecular consequence: missense variant. On other transcripts: 5 prime UTR variant (4), intron variant (1).
Genome position (GRCh38, 1-based): chr16:74,661,247, G>A on the plus strand (C>T on the coding strand, the complement: RFWD3 is on the minus strand). VCF-style: chr16-74661247-G-A. GRCh37 (hg19) VCF-style: chr16-74695145-G-A.
Other names: c.203C>T, p.Pro68Leu (NM_001370534.1, NM_001370535.1, NM_001370536.1); c.-806C>T (NM_001370537.1); c.-429C>T (NM_001370539.1); c.-683C>T (NM_001370542.1); c.-561C>T (NM_001370543.1); c.-317+3377C>T (NM_001370540.1); short protein forms P68L.
Identifiers: ClinVar variation 4708229 (VCV004708229.1).